The following is an entry in ClinVar:

NM_005751.5(AKAP9):c.10741T>G (p.Cys3581Gly)

Gene: AKAP9 (A-kinase anchoring protein 9; plus strand). Cytogenetic location: 7q21.2.
Variant type: single nucleotide variant.
Coding change: c.10741T>G on transcript NM_005751.5 (MANE Select); coding-DNA position 10741, T replaced by G.
Protein change: p.Cys3581Gly; replaces cysteine 3581 with glycine.
Molecular consequence: missense variant.
Genome position (GRCh38, 1-based): chr7:92,099,714, T>G. VCF-style: chr7-92099714-T-G. GRCh37 (hg19) VCF-style: chr7-91729028-T-G.
Other names: c.5386T>G, p.Cys1796Gly (NM_001379277.1); c.10717T>G, p.Cys3573Gly (NM_147185.3); short protein forms C3581G, C3573G, C1796G.
Identifiers: ClinVar variation 966830 (VCV000966830.12), dbSNP rs149819328, ClinGen allele CA4338020.

ClinVar aggregate classification (germline): Conflicting classifications of pathogenicity. Review status: criteria provided, conflicting classifications (1 of 4 stars). 3 submissions from 3 submitters: Uncertain significance (1); Likely benign (2). Last evaluated 2024-12-30.

Conditions:
Cardiovascular phenotype. Identifiers: MedGen CN230736.
Long QT syndrome (LQTS). Identifiers: MedGen C0023976, MeSH D008133, MONDO:0002442. Disease mechanism: loss of function. Inheritance: Various modes of inheritance.

Allele frequency attached by ClinVar (database versions not stated): gnomAD exomes 0.00001 and 0.00005; ExAC 0.00005; gnomAD 0.00013 and 0.00014; 1000 Genomes Project 30x 0.00016; TOPMed 0.00018; 1000 Genomes Project 0.00020; ESP Exome Variant Server 0.00023.
gnomAD v4.1: 37 of 1,614,132 alleles (0.0023%); highest among the groups gnomAD compares: African/African-American, 0.043%; no homozygotes.

Submissions (3):

Labcorp Genetics (formerly Invitae), Labcorp
Classification: Uncertain significance for Long QT syndrome. Last evaluated: 2024-12-30. Review status: criteria provided, single submitter. Criteria: Invitae Variant Classification Sherloc (09022015). Collection method: clinical testing. Allele origin: germline.
Comment: This sequence change replaces cysteine, which is neutral and slightly polar, with glycine, which is neutral and non-polar, at codon 3581 of the AKAP9 protein (p.Cys3581Gly). This variant is present in population databases (rs149819328, gnomAD 0.07%), and has an allele count higher than expected for a pathogenic variant. This variant has not been reported in the literature in individuals affected with AKAP9-related conditions. ClinVar contains an entry for this variant (Variation ID: 966830). An algorithm developed to predict the effect of missense changes on protein structure and function (PolyPhen-2) suggests that this variant is likely to be tolerated. In summary, the available evidence is currently insufficient to determine the role of this variant in disease. Therefore, it has been classified as a Variant of Uncertain Significance.

Ambry Genetics
Classification: Likely benign for Cardiovascular phenotype. Last evaluated: 2024-08-27. Review status: criteria provided, single submitter. Criteria: Ambry Variant Classification Scheme 2023. Collection method: clinical testing. Allele origin: germline.

Women's Health and Genetics/Laboratory Corporation of America, LabCorp
Classification: Likely benign. Last evaluated: 2021-08-09. Review status: criteria provided, single submitter. Criteria: LabCorp Variant Classification Summary - May 2015. Collection method: clinical testing. Allele origin: germline.
Comment: Variant summary: AKAP9 c.10741T>G (p.Cys3581Gly) results in a non-conservative amino acid change in the encoded protein sequence. Three of five in-silico tools predict a benign effect of the variant on protein function. The variant allele was found at a frequency of 5.2e-05 in 251390 control chromosomes. The observed variant frequency is approximately 16 fold of the estimated maximal expected allele frequency for a pathogenic variant in AKAP9 causing Long QT Syndrome phenotype (3.3e-06), strongly suggesting that the variant is benign. To our knowledge, no occurrence of c.10741T>G in individuals affected with Long QT Syndrome and no experimental evidence demonstrating its impact on protein function have been reported. One clinical diagnostic laboratory has submitted clinical-significance assessments for this variant to ClinVar after 2014 without evidence for independent evaluation and classified the variant as uncertain significance. Based on the evidence outlined above, the variant was classified as likely benign.